The following is an entry in ClinVar:

NM_001165963.4(SCN1A):c.1028+112C>A

Gene: SCN1A (sodium voltage-gated channel alpha subunit 1; minus strand). Cytogenetic location: 2q24.3.
Variant type: single nucleotide variant.
Coding change: c.1028+112C>A on transcript NM_001165963.4 (MANE Select); 112 bases into the intron after coding-DNA position 1028, C replaced by A.
Molecular consequence: intron variant.
Genome position (GRCh38, 1-based): chr2:166,048,774, G>T on the plus strand (C>A on the coding strand, the complement: SCN1A is on the minus strand). VCF-style: chr2-166048774-G-T. GRCh37 (hg19) VCF-style: chr2-166905284-G-T.
Other names: c.1028+112C>A (NM_001353949.2, NM_001353958.2, NM_001353950.2 and 10 more transcripts); c.-1398+112C>A (NM_001353961.2).
Identifiers: ClinVar variation 675893 (VCV000675893.2), dbSNP rs77450394, ClinGen allele CA59799486.

ClinVar aggregate classification (germline): Benign. Review status: criteria provided, multiple submitters, no conflicts (2 of 4 stars). 2 submissions from 2 submitters: Benign (2). Last evaluated 2018-06-14.

Allele frequency attached by ClinVar (database versions not stated): gnomAD exomes 0.00281; TOPMed 0.03066; 1000 Genomes Project 0.03175; 1000 Genomes Project 30x 0.03389.
gnomAD v4.1: 5,821 of 729,264 alleles (0.8%); highest among the groups gnomAD compares: African/African-American, 9.3%; 287 homozygotes.

Submissions (2):

GeneDx
Classification: Benign. Last evaluated: 2018-06-14. Review status: criteria provided, single submitter. Criteria: GeneDx Variant Classification (06012015). Collection method: clinical testing. Allele origin: germline. Affected: yes.
Comment: This variant is considered likely benign or benign based on one or more of the following criteria: it is a conservative change, it occurs at a poorly conserved position in the protein, it is predicted to be benign by multiple in silico algorithms, and/or has population frequency not consistent with disease.

Breakthrough Genomics
Classification: Benign. Review status: criteria provided, single submitter. Criteria: ACMG Guidelines, 2015. Collection method: not provided. Allele origin: germline. Inheritance: Autosomal dominant inheritance. Affected: yes.